The following is an entry in ClinVar:

ClinVar aggregate classification (germline): Pathogenic (1 of 4 stars; one submission).

Conditions:
Pheochromocytoma/paraganglioma syndrome 5. Also called: Paragangliomas 5; SDHA-Related Hereditary Paraganglioma-Pheochromocytoma Syndrome. Identifiers: Orphanet 29072, MedGen C3279992, MONDO:0013602, OMIM 614165.

Submission:

Myriad Genetics, Inc.
Classification: Pathogenic for Pheochromocytoma/paraganglioma syndrome 5. Last evaluated: 2023-02-13. Review status: criteria provided, single submitter. Criteria: Myriad Autosomal Dominant, Autosomal Recessive and X-Linked Classification Criteria (2023). Collection method: clinical testing. Allele origin: unknown.
Comment: This variant is considered pathogenic. This variant creates a frameshift predicted to result in premature protein truncation.

NM_004168.4(SDHA):c.870dup (p.Glu291fs)

Gene: SDHA (succinate dehydrogenase complex flavoprotein subunit A; plus strand). Cytogenetic location: 5p15.33.
Variant type: Duplication.
Coding change: c.870dup on transcript NM_004168.4 (MANE Select); coding-DNA position 870, one base duplicated (A; older notation c.870dupA).
Protein change: p.Glu291fs; shifts the reading frame from glutamic acid 291.
Molecular consequence: frameshift variant.
Genome position (GRCh38, 1-based): chr5:230,975, A duplicated. VCF-style (leftmost placement, unchanged base first): chr5-230974-T-TA. GRCh37 (hg19) VCF-style: chr5-231089-T-TA.
Other names: c.726dup, p.Glu243fs (NM_001294332.2); c.870dup, p.Glu291fs (NM_001330758.2); short protein forms E243fs, E291fs.
Identifiers: ClinVar variation 2573321 (VCV002573321.1), dbSNP rs2477333326, ClinGen allele CA2580613495.